The following is an entry in ClinVar:

ClinVar aggregate classification (germline): Uncertain significance. Review status: criteria provided, multiple submitters, no conflicts (2 of 4 stars). 2 submissions from 2 submitters: Uncertain significance (2). Last evaluated 2026-07-13.

Conditions:
Arrhythmogenic cardiomyopathy with wooly hair and keratoderma. Also called: Dilated cardiomyopathy with woolly hair and keratoderma; Arrhythmogenic cardiomyopathy with woolly hair and keratoderma; PALMOPLANTAR KERATODERMA WITH LEFT VENTRICULAR CARDIOMYOPATHY AND WOOLLY HAIR; Carvajal syndrome. Identifiers: Orphanet 65282, MedGen C1854063, MONDO:0011581, OMIM 605676.
Arrhythmogenic right ventricular dysplasia 8 (ARVD8). Also called: Arrhythmogenic Right Ventricular Dysplasia/Cardiomyopathy 8; ARRHYTHMOGENIC RIGHT VENTRICULAR DYSPLASIA, FAMILIAL, 8; ARRHYTHMOGENIC RIGHT VENTRICULAR CARDIOMYOPATHY 8. Identifiers: MedGen C1843896, MONDO:0011831, OMIM 607450.
Cardiovascular phenotype. Identifiers: MedGen CN230736.

gnomAD v4.1: 1 of 1,614,138 alleles (0.000062%); highest among the groups gnomAD compares: Non-Finnish European, 0.000085%; no homozygotes.

Submissions (2):

Ambry Genetics
Classification: Uncertain significance for Cardiovascular phenotype. Last evaluated: 2026-07-13. Review status: criteria provided, single submitter. Criteria: Ambry Variant Classification Scheme 2023. Collection method: clinical testing. Allele origin: germline.
Comment: The c.8152C>G (p.L2718V) alteration is located in exon 24 (coding exon 24) of the DSP gene. This alteration results from a C to G substitution at nucleotide position 8152, causing the leucine (L) at amino acid position 2718 to be replaced by a valine (V). Based on data from gnomAD, the G allele has an overall frequency of <0.001% (1/251448) total alleles studied. The highest observed frequency was 0.001% (1/113740) of European (non-Finnish) alleles. Based on insufficient or conflicting evidence, the clinical significance of this alteration remains unclear.

Labcorp Genetics (formerly Invitae), Labcorp
Classification: Uncertain significance for Arrhythmogenic cardiomyopathy with wooly hair and keratoderma; Arrhythmogenic right ventricular dysplasia 8. Last evaluated: 2024-01-28. Review status: criteria provided, single submitter. Criteria: Invitae Variant Classification Sherloc (09022015). Collection method: clinical testing. Allele origin: germline.
Comment: This sequence change replaces leucine, which is neutral and non-polar, with valine, which is neutral and non-polar, at codon 2718 of the DSP protein (p.Leu2718Val). This variant is present in population databases (no rsID available, gnomAD 0.0009%). This variant has not been reported in the literature in individuals affected with DSP-related conditions. An algorithm developed to predict the effect of missense changes on protein structure and function (PolyPhen-2) suggests that this variant is likely to be disruptive. In summary, the available evidence is currently insufficient to determine the role of this variant in disease. Therefore, it has been classified as a Variant of Uncertain Significance.

NM_004415.4(DSP):c.8152C>G (p.Leu2718Val)

Gene: DSP (desmoplakin; plus strand). Cytogenetic location: 6p24.3.
Variant type: single nucleotide variant.
Coding change: c.8152C>G on transcript NM_004415.4 (MANE Select); coding-DNA position 8152, C replaced by G.
Protein change: p.Leu2718Val; replaces leucine 2718 with valine.
Molecular consequence: missense variant.
Genome position (GRCh38, 1-based): chr6:7,585,414, C>G. VCF-style: chr6-7585414-C-G. GRCh37 (hg19) VCF-style: chr6-7585647-C-G.
Other names: c.6355C>G, p.Leu2119Val (NM_001008844.3); c.6823C>G, p.Leu2275Val (NM_001319034.2); short protein forms L2275V, L2718V, L2119V.
Identifiers: ClinVar variation 2924256 (VCV002924256.4), dbSNP rs727504569, ClinGen allele CA362694555.